The following is an entry in ClinVar:

ClinVar aggregate classification (germline): Pathogenic (1 of 4 stars; one submission).

Conditions:
Peroxisome biogenesis disorder 3A (Zellweger). Also called: PEROXISOMAL BIOGENESIS DISORDER 3A (ZELLWEGER); Peroxisome biogenesis disorder 3A. Identifiers: Orphanet 912, MedGen C3553929, MONDO:0013927, OMIM 614859.

Submission:

Labcorp Genetics (formerly Invitae), Labcorp
Classification: Pathogenic for Peroxisome biogenesis disorder 3A (Zellweger). Last evaluated: 2022-02-10. Review status: criteria provided, single submitter. Criteria: Invitae Variant Classification Sherloc (09022015). Collection method: clinical testing. Allele origin: germline.
Comment: For these reasons, this variant has been classified as Pathogenic. This variant has not been reported in the literature in individuals affected with PEX12-related conditions. This variant is not present in population databases (gnomAD no frequency). This sequence change creates a premature translational stop signal (p.Lys90Glufs*15) in the PEX12 gene. It is expected to result in an absent or disrupted protein product. Loss-of-function variants in PEX12 are known to be pathogenic (PMID: 9090384, 9632816, 21031596).

Literature cited by the submitters: PubMed 9090384; PubMed 9632816; PubMed 21031596.

NM_000286.3(PEX12):c.268_269del (p.Lys90fs)

Gene: PEX12 (peroxisomal biogenesis factor 12; minus strand). Cytogenetic location: 17q12.
Variant type: Deletion.
Coding change: c.268_269del on transcript NM_000286.3 (MANE Select); coding-DNA positions 268 to 269, 2 bases deleted (AA; older notation c.268_269delAA).
Protein change: p.Lys90fs; shifts the reading frame from lysine 90.
Molecular consequence: frameshift variant.
Genome position (GRCh38, 1-based): chr17:35,577,449-35,577,450, TT deleted on the plus strand (AA on the coding strand, the reverse complement: PEX12 is on the minus strand); deleting any 2 consecutive bases within chr17:35,577,449-35,577,451 gives the same sequence; the c. name uses the placement nearest the transcript's 3' end. VCF-style (leftmost placement, unchanged base first): chr17-35577448-CTT-C. GRCh37 (hg19) VCF-style: chr17-33904467-CTT-C.
Other names: short protein forms K90fs.
Identifiers: ClinVar variation 2096103 (VCV002096103.4), dbSNP rs2509170348, ClinGen allele CA2576233679.